The following is an entry in ClinVar:

NM_003978.5(PSTPIP1):c.563-82G>A

Gene: PSTPIP1 (proline-serine-threonine phosphatase interacting protein 1; plus strand). Cytogenetic location: 15q24.3.
Variant type: single nucleotide variant.
Coding change: c.563-82G>A on transcript NM_003978.5 (MANE Select); 82 bases into the intron before coding-DNA position 563, G replaced by A.
Molecular consequence: intron variant.
Genome position (GRCh38, 1-based): chr15:77,030,420, G>A. VCF-style: chr15-77030420-G-A. GRCh37 (hg19) VCF-style: chr15-77322761-G-A.
Other names: c.758-82G>A (NM_001321137.1); c.536-82G>A (NM_001321136.2); c.563-82G>A (NM_001321135.2).
Identifiers: ClinVar variation 677794 (VCV000677794.2), dbSNP rs10152353, ClinGen allele CA273757656.

ClinVar aggregate classification (germline): Benign. Review status: criteria provided, multiple submitters, no conflicts (2 of 4 stars). 2 submissions from 2 submitters: Benign (2). Last evaluated 2018-06-16.

Allele frequency attached by ClinVar (database versions not stated): gnomAD 0.03816 and 0.03878; TOPMed 0.03873; 1000 Genomes Project 0.05451; 1000 Genomes Project 30x 0.05528.
gnomAD v4.1: 30,447 of 1,421,002 alleles (2.1%); highest among the groups gnomAD compares: African/African-American, 9%; 649 homozygotes.

Submissions (2):

GeneDx
Classification: Benign. Last evaluated: 2018-06-16. Review status: criteria provided, single submitter. Criteria: GeneDx Variant Classification (06012015). Collection method: clinical testing. Allele origin: germline. Affected: yes.
Comment: This variant is considered likely benign or benign based on one or more of the following criteria: it is a conservative change, it occurs at a poorly conserved position in the protein, it is predicted to be benign by multiple in silico algorithms, and/or has population frequency not consistent with disease.

Breakthrough Genomics
Classification: Benign. Review status: criteria provided, single submitter. Criteria: ACMG Guidelines, 2015. Collection method: not provided. Allele origin: germline. Inheritance: Autosomal dominant inheritance. Affected: yes.